The following is an entry in ClinVar:

NM_001379081.2(FREM1):c.6474G>A (p.Gly2158=)

Gene: FREM1 (FRAS1 related extracellular matrix 1; minus strand). Cytogenetic location: 9p22.3.
Variant type: single nucleotide variant.
Coding change: c.6474G>A on transcript NM_001379081.2 (MANE Select); coding-DNA position 6474, G replaced by A.
Protein change: p.Gly2158=; no amino-acid change (glycine 2158 retained).
Molecular consequence: synonymous variant. On other transcripts: 3 prime UTR variant (1), non-coding transcript variant (3).
Genome position (GRCh38, 1-based): chr9:14,737,462, C>T on the plus strand (G>A on the coding strand, the complement: FREM1 is on the minus strand). VCF-style: chr9-14737462-C-T. GRCh37 (hg19) VCF-style: chr9-14737460-C-T.
Other names: c.6474G>A (NM_144966.5); c.2082G>A, p.Gly694= (NM_001177704.3, NM_001370061.2); c.*85G>A (NM_001370058.2); c.6474G>A, p.Gly2158= (NM_144966.7).
Identifiers: ClinVar variation 2711736 (VCV002711736.5), dbSNP rs559897025, ClinGen allele CA4989379.

ClinVar aggregate classification (germline): Benign. Review status: criteria provided, single submitter (1 of 4 stars). 2 submissions from 2 submitters: Benign (1). 1 of the submissions does not count toward it. Last evaluated 2025-06-17.

Conditions:
FREM1-related disorder. Also called: FREM1-related condition; FREM1-Related Disorders.

Allele frequency attached by ClinVar (database versions not stated): TOPMed 0.00003; gnomAD 0.00015; gnomAD exomes 0.00021; ExAC 0.00044; 1000 Genomes Project 30x 0.00094; 1000 Genomes Project 0.00120.
gnomAD v4.1: 333 of 1,613,794 alleles (0.021%); highest among the groups gnomAD compares: South Asian, 0.34%; 3 homozygotes.

Submissions (2):

Labcorp Genetics (formerly Invitae), Labcorp
Classification: Benign. Last evaluated: 2025-06-17. Review status: criteria provided, single submitter. Criteria: Invitae Variant Classification Sherloc (09022015). Collection method: clinical testing. Allele origin: germline.

PreventionGenetics, part of Exact Sciences
Classification: Likely benign for FREM1-related condition. Last evaluated: 2023-05-01. Review status: no assertion criteria provided. Collection method: clinical testing. Allele origin: germline. Not counted in ClinVar's aggregate classification.
Comment: This variant is classified as likely benign based on ACMG/AMP sequence variant interpretation guidelines (Richards et al. 2015 PMID: 25741868, with internal and published modifications).